The following is an entry in ClinVar:

NM_018389.5(SLC35C1):c.656T>C (p.Val219Ala)

Gene: SLC35C1 (solute carrier family 35 member C1; plus strand). Cytogenetic location: 11p11.2.
Variant type: single nucleotide variant.
Coding change: c.656T>C on transcript NM_018389.5 (MANE Select); coding-DNA position 656, T replaced by C.
Protein change: p.Val219Ala; replaces valine 219 with alanine.
Molecular consequence: missense variant.
Genome position (GRCh38, 1-based): chr11:45,810,896, T>C. VCF-style: chr11-45810896-T-C. GRCh37 (hg19) VCF-style: chr11-45832447-T-C.
Other names: c.617T>C, p.Val206Ala (NM_001145265.2, NM_001145266.2); short protein forms V206A, V219A.
Identifiers: ClinVar variation 1460926 (VCV001460926.7), dbSNP rs2134597499, ClinGen allele CA380205675.

ClinVar aggregate classification (germline): Uncertain significance (1 of 4 stars; one submission).

Conditions:
Leukocyte adhesion deficiency type II. Also called: CONGENITAL DISORDER OF GLYCOSYLATION, TYPE IIc; CDG IIc; Congenital disorder of glycosylation type 2C; CDG 2C; Leukocyte adhesion deficiency type 2; Rambam Hasharon syndrome. Identifiers: Orphanet 2968, Orphanet 99843, MedGen C0398739, MONDO:0009953, OMIM 266265.

Allele frequency attached by ClinVar (database versions not stated): gnomAD exomes below 0.00001.
gnomAD v4.1: 1 of 1,612,334 alleles (0.000062%); highest among the groups gnomAD compares: Admixed American, 0.0017%; no homozygotes.

Submission:

Labcorp Genetics (formerly Invitae), Labcorp
Classification: Uncertain significance for Leukocyte adhesion deficiency type II. Last evaluated: 2021-05-06. Review status: criteria provided, single submitter. Criteria: Invitae Variant Classification Sherloc (09022015). Collection method: clinical testing. Allele origin: germline.
Comment: In summary, the available evidence is currently insufficient to determine the role of this variant in disease. Therefore, it has been classified as a Variant of Uncertain Significance. Algorithms developed to predict the effect of missense changes on protein structure and function are either unavailable or do not agree on the potential impact of this missense change (SIFT: "Deleterious"; PolyPhen-2: "Benign"; Align-GVGD: "Class C0"). This variant has not been reported in the literature in individuals with SLC35C1-related conditions. This variant is not present in population databases (ExAC no frequency). This sequence change replaces valine with alanine at codon 219 of the SLC35C1 protein (p.Val219Ala). The valine residue is highly conserved and there is a small physicochemical difference between valine and alanine.